The following is an entry in ClinVar:

ClinVar aggregate classification (germline): Uncertain significance (1 of 4 stars; one submission).

Conditions:
Fanconi anemia (FA). Also called: Fanconi's anemia. Identifiers: Orphanet 84, MedGen C0015625, MeSH D005199, MONDO:0019391.

Submission:

Labcorp Genetics (formerly Invitae), Labcorp
Classification: Uncertain significance for Fanconi anemia. Last evaluated: 2021-07-09. Review status: criteria provided, single submitter. Criteria: Invitae Variant Classification Sherloc (09022015). Collection method: clinical testing. Allele origin: germline.
Comment: This sequence change replaces aspartic acid with glutamic acid at codon 1440 of the FANCM protein (p.Asp1440Glu). The aspartic acid residue is weakly conserved and there is a small physicochemical difference between aspartic acid and glutamic acid. This variant is not present in population databases (ExAC no frequency). This variant has not been reported in the literature in individuals affected with FANCM-related conditions. Algorithms developed to predict the effect of missense changes on protein structure and function (SIFT, PolyPhen-2, Align-GVGD) all suggest that this variant is likely to be tolerated. In summary, the available evidence is currently insufficient to determine the role of this variant in disease. Therefore, it has been classified as a Variant of Uncertain Significance.

NM_020937.4(FANCM):c.4320T>G (p.Asp1440Glu)

Gene: FANCM (FA complementation group M; plus strand). Cytogenetic location: 14q21.2.
Variant type: single nucleotide variant.
Coding change: c.4320T>G on transcript NM_020937.4 (MANE Select); coding-DNA position 4320, T replaced by G.
Protein change: p.Asp1440Glu; replaces aspartic acid 1440 with glutamic acid.
Molecular consequence: missense variant.
Genome position (GRCh38, 1-based): chr14:45,181,639, T>G. VCF-style: chr14-45181639-T-G. GRCh37 (hg19) VCF-style: chr14-45650842-T-G.
Other names: c.4242T>G, p.Asp1414Glu (NM_001308133.2); short protein forms D1414E, D1440E.
Identifiers: ClinVar variation 1404827 (VCV001404827.8), dbSNP rs2139270994, ClinGen allele CA389607255.